The following is an entry in ClinVar:

ClinVar aggregate classification (germline): Uncertain significance (1 of 4 stars; one submission).

Conditions:
Glycogen storage disease type III (GSD3). Also called: Cori disease; FORBES DISEASE. Identifiers: Orphanet 366, MedGen C0017922, MONDO:0009291, OMIM 232400.

gnomAD v4.1: 2 of 1,613,782 alleles (0.00012%); no homozygotes.

Submission:

Labcorp Genetics (formerly Invitae), Labcorp
Classification: Uncertain significance for Glycogen storage disease type III. Last evaluated: 2022-07-15. Review status: criteria provided, single submitter. Criteria: Invitae Variant Classification Sherloc (09022015). Collection method: clinical testing. Allele origin: germline.
Comment: This sequence change replaces glycine, which is neutral and non-polar, with aspartic acid, which is acidic and polar, at codon 475 of the AGL protein (p.Gly475Asp). This variant is present in population databases (no rsID available, gnomAD 0.003%). This variant has not been reported in the literature in individuals affected with AGL-related conditions. Algorithms developed to predict the effect of missense changes on protein structure and function (SIFT, PolyPhen-2, Align-GVGD) all suggest that this variant is likely to be tolerated. In summary, the available evidence is currently insufficient to determine the role of this variant in disease. Therefore, it has been classified as a Variant of Uncertain Significance.

NM_000642.3(AGL):c.1424G>A (p.Gly475Asp)

Gene: AGL (amylo-alpha-1,6-glucosidase and 4-alpha-glucanotransferase; plus strand). Cytogenetic location: 1p21.2.
Variant type: single nucleotide variant.
Coding change: c.1424G>A on transcript NM_000642.3 (MANE Select); coding-DNA position 1424, G replaced by A.
Protein change: p.Gly475Asp; replaces glycine 475 with aspartic acid.
Molecular consequence: missense variant.
Genome position (GRCh38, 1-based): chr1:99,877,641, G>A. VCF-style: chr1-99877641-G-A. GRCh37 (hg19) VCF-style: chr1-100343197-G-A.
Other names: c.1424G>A, p.Gly475Asp (NM_000028.3, NM_000643.3, NM_000644.3 and 2 more transcripts); c.1376G>A, p.Gly459Asp (NM_000646.3); c.1223G>A, p.Gly408Asp (NM_001425327.1); c.1220G>A, p.Gly407Asp (NM_001425328.1, NM_001425329.1); c.1046G>A, p.Gly349Asp (NM_001425332.1); short protein forms G459D, G475D, G349D, G407D, G408D.
Identifiers: ClinVar variation 1900099 (VCV001900099.5), dbSNP rs538916479, ClinGen allele CA341314471.